The following is an entry in ClinVar:

NM_020686.6(ABAT):c.587C>T (p.Thr196Met)

Gene: ABAT (4-aminobutyrate aminotransferase; plus strand). Cytogenetic location: 16p13.2.
Variant type: single nucleotide variant.
Coding change: c.587C>T on transcript NM_020686.6 (MANE Select); coding-DNA position 587, C replaced by T.
Protein change: p.Thr196Met; replaces threonine 196 with methionine.
Molecular consequence: missense variant. On other transcripts: intron variant (4).
Genome position (GRCh38, 1-based): chr16:8,766,254, C>T. VCF-style: chr16-8766254-C-T. GRCh37 (hg19) VCF-style: chr16-8860111-C-T.
Other names: c.587C>T, p.Thr196Met (NM_000663.5, NM_001127448.2, NM_001386600.1 and 7 more transcripts); c.494C>T, p.Thr165Met (NM_001386608.1); c.452C>T, p.Thr151Met (NM_001386610.1, NM_001386611.1); c.341C>T, p.Thr114Met (NM_001386614.1); c.683C>T, p.Thr228Met (NM_001386615.1); c.540+1424C>T (NM_001386607.1, NM_001386606.1); c.405+1424C>T (NM_001386612.1, NM_001386613.1); short protein forms T196M, T114M, T151M, T165M, T228M.
Identifiers: ClinVar variation 199159 (VCV000199159.10), dbSNP rs546024063, ClinGen allele CA248208.

ClinVar aggregate classification (germline): Uncertain significance. Review status: criteria provided, multiple submitters, no conflicts (2 of 4 stars). 2 submissions from 2 submitters: Uncertain significance (2). Last evaluated 2022-03-20.

Conditions:
Gamma-aminobutyric acid transaminase deficiency (GABATD). Also called: GABA aminotransaminase deficiency; GABA transaminase deficiency; Gamma aminobutyrate transaminase deficiency; 4 alpha aminobutyrate transaminase deficiency. Identifiers: Orphanet 2066, MedGen C0342708, MONDO:0013166, OMIM 613163.

Allele frequency attached by ClinVar (database versions not stated): gnomAD 0.00001; gnomAD exomes 0.00001; TOPMed 0.00001; 1000 Genomes Project 0.00020.
gnomAD v4.1: 11 of 1,614,092 alleles (0.00068%); highest among the groups gnomAD compares: East Asian, 0.0045%; no homozygotes.

Submissions (2):

Labcorp Genetics (formerly Invitae), Labcorp
Classification: Uncertain significance for Gamma-aminobutyric acid transaminase deficiency. Last evaluated: 2022-03-20. Review status: criteria provided, single submitter. Criteria: Invitae Variant Classification Sherloc (09022015). Collection method: clinical testing. Allele origin: germline.
Comment: This sequence change replaces threonine, which is neutral and polar, with methionine, which is neutral and non-polar, at codon 196 of the ABAT protein (p.Thr196Met). This variant is present in population databases (rs546024063, gnomAD 0.01%). This variant has not been reported in the literature in individuals affected with ABAT-related conditions. ClinVar contains an entry for this variant (Variation ID: 199159). Algorithms developed to predict the effect of missense changes on protein structure and function are either unavailable or do not agree on the potential impact of this missense change (SIFT: "Deleterious"; PolyPhen-2: "Possibly Damaging"; Align-GVGD: "Class C15"). In summary, the available evidence is currently insufficient to determine the role of this variant in disease. Therefore, it has been classified as a Variant of Uncertain Significance.

Eurofins Ntd Llc (ga)
Classification: Uncertain significance. Last evaluated: 2015-05-22. Review status: criteria provided, single submitter. Criteria: EGL Classification Definitions 2015. Collection method: clinical testing. Allele origin: germline. Observed: 1 variant allele, 1 heterozygote.